The following is an entry in ClinVar:

ClinVar aggregate classification (germline): Uncertain significance (1 of 4 stars; one submission).

Allele frequency attached by ClinVar (database versions not stated): ExAC 0.00001.

Submission:

Labcorp Genetics (formerly Invitae), Labcorp
Classification: Uncertain significance. Last evaluated: 2022-08-09. Review status: criteria provided, single submitter. Criteria: Invitae Variant Classification Sherloc (09022015). Collection method: clinical testing. Allele origin: germline.
Comment: In summary, the available evidence is currently insufficient to determine the role of this variant in disease. Therefore, it has been classified as a Variant of Uncertain Significance. Algorithms developed to predict the effect of missense changes on protein structure and function are either unavailable or do not agree on the potential impact of this missense change (SIFT: "Deleterious"; PolyPhen-2: "Probably Damaging"; Align-GVGD: "Class C0"). This variant has not been reported in the literature in individuals affected with ITPR1-related conditions. This variant is present in population databases (rs749453720, gnomAD 0.0009%). This sequence change replaces serine, which is neutral and polar, with phenylalanine, which is neutral and non-polar, at codon 1384 of the ITPR1 protein (p.Ser1384Phe).

NM_001378452.1(ITPR1):c.4223C>T (p.Ser1408Phe)

Gene: ITPR1 (inositol 1,4,5-trisphosphate receptor type 1; plus strand). Cytogenetic location: 3p26.1.
Variant type: single nucleotide variant.
Coding change: c.4223C>T on transcript NM_001378452.1 (MANE Select); coding-DNA position 4223, C replaced by T.
Protein change: p.Ser1408Phe; replaces serine 1408 with phenylalanine.
Molecular consequence: missense variant.
Genome position (GRCh38, 1-based): chr3:4,693,683, C>T. VCF-style: chr3-4693683-C-T. GRCh37 (hg19) VCF-style: chr3-4735367-C-T.
Other names: c.4196C>T, p.Ser1399Phe (NM_001099952.4); c.4178C>T, p.Ser1393Phe (NM_001168272.2); c.4151C>T, p.Ser1384Phe (NM_002222.7); short protein forms S1384F, S1393F, S1399F, S1408F.
Identifiers: ClinVar variation 1715932 (VCV001715932.5), dbSNP rs749453720, ClinGen allele CA2231909.
Genomic context (GRCh38, chr3:4,693,683, plus strand): 5'-TCGAGCTCCTGGCTGTGTGCACGGAGGGTAAGAATGTCTACACAGAGATCAAGTGCAACT[C>T]CCTGCTCCCGCTGGATGACATCGTTCGCGTGGTGACCCACGAGGACTGCATCCCTGAGGT-3'
Protein context (NP_001365381.1, residues 1398-1418): KNVYTEIKCN[Ser1408Phe]LLPLDDIVRV